The following is an entry in ClinVar:

NM_022124.6(CDH23):c.3347C>T (p.Pro1116Leu)

Genes: C10orf105 (chromosome 10 open reading frame 105; minus strand), CDH23 (cadherin related 23; plus strand). Cytogenetic location: 10q22.1.
Variant type: single nucleotide variant.
Coding change: c.3347C>T on transcript NM_022124.6 (MANE Select); coding-DNA position 3347, C replaced by T.
Protein change: p.Pro1116Leu; replaces proline 1116 with leucine.
Molecular consequence: missense variant. On other transcripts: 3 prime UTR variant (2).
Genome position (GRCh38, 1-based): chr10:71,712,791, C>T. VCF-style: chr10-71712791-C-T. GRCh37 (hg19) VCF-style: chr10-73472548-C-T.
Other names: c.*3145G>A (NM_001164375.3, NM_001168390.2); c.3347C>T, p.Pro1116Leu (NM_001171930.2); short protein forms P1116L.
Identifiers: ClinVar variation 1474175 (VCV001474175.8), dbSNP rs1167280598, ClinGen allele CA377144938.

ClinVar aggregate classification (germline): Uncertain significance (1 of 4 stars; one submission).

Allele frequency attached by ClinVar (database versions not stated): gnomAD exomes below 0.00001; TOPMed below 0.00001.
gnomAD v4.1: 1 of 1,612,658 alleles (0.000062%); highest among the groups gnomAD compares: Non-Finnish European, 0.000085%; no homozygotes.

Submission:

Labcorp Genetics (formerly Invitae), Labcorp
Classification: Uncertain significance. Last evaluated: 2021-02-19. Review status: criteria provided, single submitter. Criteria: Invitae Variant Classification Sherloc (09022015). Collection method: clinical testing. Allele origin: germline.
Comment: In summary, the available evidence is currently insufficient to determine the role of this variant in disease. Therefore, it has been classified as a Variant of Uncertain Significance. Algorithms developed to predict the effect of missense changes on protein structure and function are either unavailable or do not agree on the potential impact of this missense change (SIFT: "Deleterious"; PolyPhen-2: "Not Available"; Align-GVGD: "Class C65"). This variant has not been reported in the literature in individuals with CDH23-related conditions. This variant is not present in population databases (ExAC no frequency). This sequence change replaces proline with leucine at codon 1116 of the CDH23 protein (p.Pro1116Leu). The proline residue is highly conserved and there is a moderate physicochemical difference between proline and leucine.